The following is an entry in ClinVar:

NM_024079.5(ALG8):c.95+8_95+23del

Genes: ALG8 (ALG8 alpha-1,3-glucosyltransferase; minus strand), LOC130006492 (ATAC-STARR-seq lymphoblastoid active region 5315; plus strand). Cytogenetic location: 11q14.1.
Variant type: Deletion.
Coding change: c.95+8_95+23del on transcript NM_024079.5 (MANE Select); bases 8 to 23 of the intron after coding-DNA position 95, 16 bases deleted (ACTCGCACGGCCAGGG).
Molecular consequence: intron variant.
Genome position (GRCh38, 1-based): chr11:78,139,471-78,139,486, CCCTGGCCGTGCGAGT deleted on the plus strand (ACTCGCACGGCCAGGG on the coding strand, the reverse complement: ALG8 is on the minus strand); deleting any 16 consecutive bases within chr11:78,139,471-78,139,490 gives the same sequence; the c. name uses the placement nearest the transcript's 3' end. VCF-style (leftmost placement, unchanged base first): chr11-78139470-CCCCTGGCCGTGCGAGT-C. GRCh37 (hg19) VCF-style: chr11-77850516-CCCCTGGCCGTGCGAGT-C.
Other names: c.-170+43_-170+58del (NM_001425234.1); c.95+8_95+23del (NM_001425231.1, NM_001425220.1, NM_001425240.1 and 16 more transcripts); c.21+8_21+23del (NM_001425235.1, NM_001425226.1, NM_001425236.1); c.-418+8_-418+23del (NM_001425241.1); c.-456+8_-456+23del (NM_001425242.1); c.-288+8_-288+23del (NM_001425239.1).
Identifiers: ClinVar variation 3614457 (VCV003614457.2).
Genomic context (GRCh38, chr11:78,139,470, plus strand): 5'-CCCAGGGATATCCACACCTTTCTCTCCCGCCCTGACCGACCGCGGGGCCTCCCCGCCCAG[CCCCTGGCCGTGCGAGT>C]CCCTTACTATGTGGGGATGAGAAGGCATTTGAGAAGAGTCACCCCGAGCGCCAAAGCCGA-3'

ClinVar aggregate classification (germline): Uncertain significance (1 of 4 stars; one submission).

Conditions:
ALG8 congenital disorder of glycosylation. Also called: CONGENITAL DISORDER OF GLYCOSYLATION, TYPE Ih; CDG Ih; ALG8-CDG. Identifiers: Orphanet 79325, MedGen C2931002, MONDO:0011969, OMIM 608104.

Submission:

Labcorp Genetics (formerly Invitae), Labcorp
Classification: Uncertain significance for ALG8 congenital disorder of glycosylation. Last evaluated: 2024-02-17. Review status: criteria provided, single submitter. Criteria: Invitae Variant Classification Sherloc (09022015). Collection method: clinical testing. Allele origin: germline.
Comment: This sequence change falls in intron 1 of the ALG8 gene. It does not directly change the encoded amino acid sequence of the ALG8 protein. This variant is not present in population databases (gnomAD no frequency). This variant has not been reported in the literature in individuals affected with ALG8-related conditions. Experimental studies and prediction algorithms are not available or were not evaluated, and the effect of this variant on mRNA splicing is currently unknown. In summary, the available evidence is currently insufficient to determine the role of this variant in disease. Therefore, it has been classified as a Variant of Uncertain Significance.